The following is an entry in ClinVar:

ClinVar aggregate classification (germline): Likely benign (0 of 4 stars; one submission).

Conditions:
STARD9-related disorder. Also called: STARD9-related condition.

Allele frequency attached by ClinVar (database versions not stated): 1000 Genomes Project 30x 0.00062; 1000 Genomes Project 0.00080; ExAC 0.00115; gnomAD 0.00175; TOPMed 0.00207; ESP Exome Variant Server 0.00219.

Submission:

PreventionGenetics, part of Exact Sciences
Classification: Likely benign for STARD9-related condition. Last evaluated: 2023-05-16. Review status: no assertion criteria provided. Collection method: clinical testing. Allele origin: germline.
Comment: This variant is classified as likely benign based on ACMG/AMP sequence variant interpretation guidelines (Richards et al. 2015 PMID: 25741868, with internal and published modifications).

NM_020759.3(STARD9):c.3340T>C (p.Cys1114Arg)

Gene: STARD9 (StAR related lipid transfer domain containing 9; plus strand). Cytogenetic location: 15q15.2.
Variant type: single nucleotide variant.
Coding change: c.3340T>C on transcript NM_020759.3 (MANE Select); coding-DNA position 3340, T replaced by C.
Protein change: p.Cys1114Arg; replaces cysteine 1114 with arginine.
Molecular consequence: missense variant.
Genome position (GRCh38, 1-based): chr15:42,684,918, T>C. VCF-style: chr15-42684918-T-C. GRCh37 (hg19) VCF-style: chr15-42977116-T-C.
Other names: short protein forms C1114R.
Identifiers: ClinVar variation 3035131 (VCV003035131.2), dbSNP rs79165890, ClinGen allele CA7514250.